The following is an entry in ClinVar:

ClinVar aggregate classification (germline): Likely benign (0 of 4 stars; one submission).

Conditions:
KCNJ12-related disorder. Also called: KCNJ12-related condition.

Allele frequency attached by ClinVar (database versions not stated): gnomAD 0.00012; 1000 Genomes Project 30x 0.00078; ESP Exome Variant Server 0.00169.

Submission:

PreventionGenetics, part of Exact Sciences
Classification: Likely benign for KCNJ12-related condition. Last evaluated: 2019-02-25. Review status: no assertion criteria provided. Collection method: clinical testing. Allele origin: germline.
Comment: This variant is classified as likely benign based on ACMG/AMP sequence variant interpretation guidelines (Richards et al. 2015 PMID: 25741868, with internal and published modifications).

NM_021012.5(KCNJ12):c.705G>A (p.Pro235=)

Gene: KCNJ12 (potassium inwardly rectifying channel subfamily J member 12; plus strand). Cytogenetic location: 17p11.2.
Variant type: single nucleotide variant.
Coding change: c.705G>A on transcript NM_021012.5 (MANE Select); coding-DNA position 705, G replaced by A.
Protein change: p.Pro235=; no amino-acid change (proline 235 retained).
Molecular consequence: synonymous variant.
Genome position (GRCh38, 1-based): chr17:21,416,047, G>A. VCF-style: chr17-21416047-G-A. GRCh37 (hg19) VCF-style: chr17-21319359-G-A.
Identifiers: ClinVar variation 3035714 (VCV003035714.2), dbSNP rs147653221, ClinGen allele CA8451247.